The following is an entry in ClinVar:

NM_170606.3(KMT2C):c.6349T>C (p.Ser2117Pro)

Gene: KMT2C (lysine methyltransferase 2C; minus strand). Cytogenetic location: 7q36.1.
Variant type: single nucleotide variant.
Coding change: c.6349T>C on transcript NM_170606.3 (MANE Select); coding-DNA position 6349, T replaced by C.
Protein change: p.Ser2117Pro; replaces serine 2117 with proline.
Molecular consequence: missense variant.
Genome position (GRCh38, 1-based): chr7:152,181,511, A>G on the plus strand (T>C on the coding strand, the complement: KMT2C is on the minus strand). VCF-style: chr7-152181511-A-G. GRCh37 (hg19) VCF-style: chr7-151878596-A-G.
Other names: short protein forms S2117P.
Identifiers: ClinVar variation 1806280 (VCV001806280.1), dbSNP rs2487797057, ClinGen allele CA370095035.

ClinVar aggregate classification (germline): Uncertain significance (1 of 4 stars; one submission).

Conditions:
Kleefstra syndrome 2 (KLEFS2). Identifiers: MedGen C4540395, MONDO:0054701, OMIM 617768.

Submission:

Victorian Clinical Genetics Services, Murdoch Childrens Research Institute
Classification: Uncertain significance for Kleefstra syndrome 2. Last evaluated: 2020-05-25. Review status: criteria provided, single submitter. Criteria: ACMG Guidelines, 2015. Collection method: clinical testing. Allele origin: germline. Inheritance: Autosomal dominant inheritance. Affected: yes.
Comment: Based on the classification scheme VCGS_Germline_v1.1.1, this variant is classified as VUS – 3C. Following criteria are met: 0102 - Loss-of-function is a known mechanism of disease for this gene. (N) 0107 - This gene is known to be associated with autosomal dominant disease. (N) 0200 - Variant is predicted to result in a missense amino acid change from serine to proline (exon 36). (N) 0251 - Variant is heterozygous. (N) 0301 - Variant is absent from gnomAD. (P) 0502 - Missense variant with conflicting in silico predictions and/or uninformative conservation. (N) 0503 - Missense variant consistently predicted to be tolerated or not conserved in mammals with a minor amino acid change. (B) 0604 - Variant is not located in an established domain, motif, hotspot or informative constraint region. (N) 0705 - No comparable variants have previous evidence for pathogenicity. (N) 0807 - Variant has not previously been reported in a clinical context. (N) 0905 - No segregation evidence has been identified for this variant. (N) 1007 - No published functional evidence has been identified for this variant. (N) 1208 - Inheritance information for this variant is not currently available. (N) Legend: (P) - Pathogenic, (N) - Neutral, (B) - Benign